The following is an entry in ClinVar:

ClinVar aggregate classification (germline): Likely benign. Review status: criteria provided, single submitter (1 of 4 stars). 2 submissions from 2 submitters: Likely benign (1). 1 of the submissions does not count toward it. Last evaluated 2025-11-03.

Conditions:
TUB-related disorder. Also called: TUB-related condition.

Allele frequency attached by ClinVar (database versions not stated): gnomAD exomes 0.00005 and 0.00018; ESP Exome Variant Server 0.00008; gnomAD 0.00014; TOPMed 0.00017; ExAC 0.00022; 1000 Genomes Project 0.00040; 1000 Genomes Project 30x 0.00047.
gnomAD v4.1: 100 of 1,614,076 alleles (0.0062%); highest among the groups gnomAD compares: East Asian, 0.16%; no homozygotes.

Submissions (2):

Labcorp Genetics (formerly Invitae), Labcorp
Classification: Likely benign. Last evaluated: 2025-11-03. Review status: criteria provided, single submitter. Criteria: Invitae Variant Classification Sherloc (09022015). Collection method: clinical testing. Allele origin: germline.

PreventionGenetics, part of Exact Sciences
Classification: Likely benign for TUB-related condition. Last evaluated: 2022-05-25. Review status: no assertion criteria provided. Collection method: clinical testing. Allele origin: germline. Not counted in ClinVar's aggregate classification.
Comment: This variant is classified as likely benign based on ACMG/AMP sequence variant interpretation guidelines (Richards et al. 2015 PMID: 25741868, with internal and published modifications).

NM_177972.3(TUB):c.353G>A (p.Gly118Asp)

Genes: RIC3 (RIC3 acetylcholine receptor chaperone; minus strand), TUB (TUB bipartite transcription factor; plus strand). Cytogenetic location: 11p15.4.
Variant type: single nucleotide variant.
Coding change: c.353G>A on transcript NM_177972.3 (MANE Select); coding-DNA position 353, G replaced by A.
Protein change: p.Gly118Asp; replaces glycine 118 with aspartic acid.
Molecular consequence: missense variant. On other transcripts: non-coding transcript variant (1).
Genome position (GRCh38, 1-based): chr11:8,094,145, G>A. VCF-style: chr11-8094145-G-A. GRCh37 (hg19) VCF-style: chr11-8115692-G-A.
Other names: c.518G>A, p.Gly173Asp (NM_003320.5); c.518G>A (NM_003320.4); short protein forms G118D, G173D.
Identifiers: ClinVar variation 1083846 (VCV001083846.11), dbSNP rs139734163, ClinGen allele CA5871045.
Genomic context (GRCh38, chr11:8,094,145, plus strand): 5'-CCACGCGCCCAACAGCACCAGCTTCAGCCAAGAGAACCAAGGCGGCAGCTACAGCAGGGG[G>A]CCAGGGTGGCGCCGCTAGGAAGGAGAAGAAGGGAAAGCACAAAGGTCAGCTCACATTCTC-3'
Protein context (NP_813977.1, residues 108-128): KRTKAAATAG[Gly118Asp]QGGAARKEKK